The following is an entry in ClinVar:

ClinVar aggregate classification (germline): Uncertain significance (1 of 4 stars; one submission).

Conditions:
Emery-Dreifuss muscular dystrophy (EDMD). Also called: Scapuloperoneal syndrome, X-linked (formerly); Humeroperoneal neuromuscular disease, (formerly). Identifiers: Orphanet 261, MedGen C0410189, MONDO:0016830.

Allele frequency attached by ClinVar (database versions not stated): gnomAD exomes 0.00001; ExAC 0.00002; gnomAD 0.00003; ESP Exome Variant Server 0.00016.
gnomAD v4.1: 24 of 1,613,408 alleles (0.0015%); highest among the groups gnomAD compares: Admixed American, 0.0083%; no homozygotes.

Submission:

Labcorp Genetics (formerly Invitae), Labcorp
Classification: Uncertain significance for Emery-Dreifuss muscular dystrophy. Last evaluated: 2025-11-11. Review status: criteria provided, single submitter. Criteria: Invitae Variant Classification Sherloc (09022015). Collection method: clinical testing. Allele origin: germline.
Comment: This sequence change replaces arginine, which is basic and polar, with cysteine, which is neutral and slightly polar, at codon 345 of the SUN1 protein (p.Arg345Cys). This variant is present in population databases (rs374671919, gnomAD 0.01%). This variant has not been reported in the literature in individuals affected with SUN1-related conditions. ClinVar contains an entry for this variant (Variation ID: 2036606). An algorithm developed to predict the effect of missense changes on protein structure and function (PolyPhen-2) suggests that this variant is likely to be tolerated. In summary, the available evidence is currently insufficient to determine the role of this variant in disease. Therefore, it has been classified as a Variant of Uncertain Significance.

NM_001130965.3(SUN1):c.1033C>T (p.Arg345Cys)

Gene: SUN1 (Sad1 and UNC84 domain containing 1; plus strand). Cytogenetic location: 7p22.3.
Variant type: single nucleotide variant.
Coding change: c.1033C>T on transcript NM_001130965.3 (MANE Select); coding-DNA position 1033, C replaced by T.
Protein change: p.Arg345Cys; replaces arginine 345 with cysteine.
Molecular consequence: missense variant. On other transcripts: non-coding transcript variant (3).
Genome position (GRCh38, 1-based): chr7:852,932, C>T. VCF-style: chr7-852932-C-T. GRCh37 (hg19) VCF-style: chr7-892569-C-T.
Other names: c.724C>T, p.Arg242Cys (NM_001171944.2); c.1033C>T, p.Arg345Cys (NM_001367633.1, NM_001367634.1, NM_001367672.1 and 1 more transcripts); c.682C>T, p.Arg228Cys (NM_001367635.1); c.1273C>T, p.Arg425Cys (NM_001367636.1, NM_001367691.1); c.1141C>T, p.Arg381Cys (NM_001367638.1); c.574C>T, p.Arg192Cys (NM_001367639.1); c.1213C>T, p.Arg405Cys (NM_001367640.1); c.1315C>T, p.Arg439Cys (NM_001367641.1, NM_001367682.1); and 38 more; short protein forms R262C, R289C, R294C, R295C, R299C, R332C, R340C, R388C.
Identifiers: ClinVar variation 2036606 (VCV002036606.4), dbSNP rs374671919, ClinGen allele CA4112042.